The following is an entry in ClinVar:

ClinVar aggregate classification (germline): Pathogenic (1 of 4 stars; one submission).

Conditions:
ERCC2-related disorder. Also called: ERCC2-related conditions; ERCC2-related condition; ERCC2-related disorders. Identifiers: MedGen CN239291.

Submission:

Myriad Genetics, Inc.
Classification: Pathogenic for ERCC2-related disorder. Last evaluated: 2025-02-27. Review status: criteria provided, single submitter. Criteria: Myriad Autosomal Dominant, Autosomal Recessive and X-Linked Classification Criteria (2023). Collection method: clinical testing. Allele origin: unknown.
Comment: NM_000400.3(ERCC2):c.657_658delCC(L220Gfs*20) is expected to be pathogenic in the context of ERCC2-related disorders. This variant is predicted to lead to an abnormal or absent protein product due to the creation of a premature termination codon in ERCC2, a gene where loss-of-function variants are known to be pathogenic. Please note: this variant was assessed in the context of healthy population screening.

NM_000400.4(ERCC2):c.657_658del (p.Leu220fs)

Gene: ERCC2 (ERCC excision repair 2, TFIIH core complex helicase subunit; minus strand). Cytogenetic location: 19q13.32.
Variant type: Deletion.
Coding change: c.657_658del on transcript NM_000400.4 (MANE Select); coding-DNA positions 657 to 658, 2 bases deleted (CC; older notation c.657_658delCC).
Protein change: p.Leu220fs; shifts the reading frame from leucine 220.
Molecular consequence: frameshift variant. On other transcripts: non-coding transcript variant (3).
Genome position (GRCh38, 1-based): chr19:45,364,484-45,364,485, GG deleted on the plus strand (CC on the coding strand, the reverse complement: ERCC2 is on the minus strand). VCF-style (leftmost placement, unchanged base first): chr19-45364483-AGG-A. GRCh37 (hg19) VCF-style: chr19-45867741-AGG-A.
Other names: c.585_586del, p.Leu196fs (NM_001130867.2, NM_001440355.1); c.579_580del, p.Leu194fs (NM_001440356.1); c.534_535del, p.Leu179fs (NM_001440357.1); short protein forms L179fs, L194fs, L196fs, L220fs.
Identifiers: ClinVar variation 5014137 (VCV005014137.1).
Genomic context (GRCh38, chr19:45,364,483, plus strand): 5'-CCAATGTTGTGGGCCTCGTCGAAGACCACGACGGCCTTGCGGGCCAGTTCCTTGGACACC[AGG>A]TCTGCAATCTTGGGGTCCAGGAGGTAGTGGTAGCTATAAACCACCACATTGGCATGCAGG-3'